The following is an entry in ClinVar:

ClinVar aggregate classification (germline): Pathogenic (1 of 4 stars; one submission).

Conditions:
Duchenne muscular dystrophy (DMD). Also called: Duchenne Muscular Dystrophy (DMD); MUSCULAR DYSTROPHY, PSEUDOHYPERTROPHIC PROGRESSIVE, DUCHENNE TYPE. Identifiers: Orphanet 98896, MedGen C0013264, MONDO:0010679, OMIM 310200.

Submission:

Labcorp Genetics (formerly Invitae), Labcorp
Classification: Pathogenic for Duchenne muscular dystrophy. Last evaluated: 2022-07-26. Review status: criteria provided, single submitter. Criteria: Invitae Variant Classification Sherloc (09022015). Collection method: clinical testing. Allele origin: germline.
Comment: This variant results in a copy number gain of the genomic region encompassing exon(s) 2-9 of the DMD gene. While the exact position of this variant cannot be determined from the data, sub-genic copy number gains are generally in tandem (PMID: 25640679). This variant is predicted to be out-of-frame, and may result in an absent or disrupted protein product. Loss-of-function variants in DMD are known to be pathogenic (PMID: 16770791, 25007885). A similar copy number variant has been observed in individuals with DMD-related dystrophinopathies (PMID: 12111668, 19074751). For these reasons, this variant has been classified as Pathogenic.

Literature cited by the submitters: PubMed 25640679; PubMed 16770791; PubMed 25007885; PubMed 12111668; PubMed 19074751.

NC_000023.10:g.(?_32715967)_(33038337_?)dup

Gene: DMD (dystrophin; minus strand). Cytogenetic location: Xp21.1.
Variant type: Duplication.
Identifiers: ClinVar variation 2424857 (VCV002424857.2).